The following is an entry in ClinVar:

ClinVar aggregate classification (germline): Uncertain significance (1 of 4 stars; one submission).

Allele frequency attached by ClinVar (database versions not stated): gnomAD exomes below 0.00001.
gnomAD v4.1: 4 of 1,612,468 alleles (0.00025%); highest among the groups gnomAD compares: Non-Finnish European, 0.00034%; no homozygotes.

Submission:

Labcorp Genetics (formerly Invitae), Labcorp
Classification: Uncertain significance. Last evaluated: 2021-12-02. Review status: criteria provided, single submitter. Criteria: Invitae Variant Classification Sherloc (09022015). Collection method: clinical testing. Allele origin: germline.
Comment: In summary, the available evidence is currently insufficient to determine the role of this variant in disease. Therefore, it has been classified as a Variant of Uncertain Significance. Experimental studies and prediction algorithms are not available or were not evaluated, and the functional significance of this variant is currently unknown. This variant has not been reported in the literature in individuals affected with COL18A1-related conditions. This variant is not present in population databases (gnomAD no frequency). This sequence change replaces glycine with aspartic acid at codon 1308 of the COL18A1 protein (p.Gly1308Asp). There is a moderate physicochemical difference between glycine and aspartic acid.

NM_001379500.1(COL18A1):c.3932G>A (p.Gly1311Asp)

Genes: COL18A1 (collagen type XVIII alpha 1 chain; plus strand), SLC19A1 (solute carrier family 19 member 1; minus strand). Cytogenetic location: 21q22.3.
Variant type: single nucleotide variant.
Coding change: c.3932G>A on transcript NM_001379500.1 (MANE Select); coding-DNA position 3932, G replaced by A.
Protein change: p.Gly1311Asp; replaces glycine 1311 with aspartic acid.
Molecular consequence: missense variant.
Genome position (GRCh38, 1-based): chr21:45,512,310, G>A. VCF-style: chr21-45512310-G-A. GRCh37 (hg19) VCF-style: chr21-46932224-G-A.
Other names: c.4463G>A, p.Gly1488Asp (NM_030582.4); c.5168G>A, p.Gly1723Asp (NM_130444.3); short protein forms G1311D, G1488D, G1723D.
Identifiers: ClinVar variation 1502678 (VCV001502678.6), dbSNP rs2037659615, ClinGen allele CA410502340.